The following is an entry in ClinVar:

ClinVar aggregate classification (germline): Uncertain significance (1 of 4 stars; one submission).

Conditions:
Inborn genetic diseases. Identifiers: MedGen C0950123, MeSH D030342.

gnomAD v4.1: 1 of 1,610,902 alleles (0.000062%); highest among the groups gnomAD compares: East Asian, 0.0022%; no homozygotes.

Submission:

Ambry Genetics
Classification: Uncertain significance for Inborn genetic diseases. Last evaluated: 2025-05-21. Review status: criteria provided, single submitter. Criteria: Ambry Variant Classification Scheme 2023. Collection method: clinical testing. Allele origin: germline.
Comment: The p.Q20R variant (also known as c.59A>G), located in coding exon 1 of the GATA2 gene, results from an A to G substitution at nucleotide position 59. The glutamine at codon 20 is replaced by arginine, an amino acid with highly similar properties. This amino acid position is conserved. In addition, this alteration is predicted to be deleterious by in silico analysis. Based on the available evidence, the clinical significance of this variant remains unclear.

NM_032638.5(GATA2):c.59A>G (p.Gln20Arg)

Gene: GATA2 (GATA binding protein 2; minus strand). Cytogenetic location: 3q21.3.
Variant type: single nucleotide variant.
Coding change: c.59A>G on transcript NM_032638.5 (MANE Select); coding-DNA position 59, A replaced by G.
Protein change: p.Gln20Arg; replaces glutamine 20 with arginine.
Molecular consequence: missense variant.
Genome position (GRCh38, 1-based): chr3:128,486,973, T>C on the plus strand (A>G on the coding strand, the complement: GATA2 is on the minus strand). VCF-style: chr3-128486973-T-C. GRCh37 (hg19) VCF-style: chr3-128205816-T-C.
Other names: c.59A>G, p.Gln20Arg (NM_001145661.2, NM_001145662.1); short protein forms Q20R.
Identifiers: ClinVar variation 4028508 (VCV004028508.1).